The following is an entry in ClinVar:

ClinVar aggregate classification (germline): Uncertain significance (1 of 4 stars; one submission).

gnomAD v4.1: 1 of 1,610,634 alleles (0.000062%); no homozygotes.

Submission:

Labcorp Genetics (formerly Invitae), Labcorp
Classification: Uncertain significance. Last evaluated: 2024-10-16. Review status: criteria provided, single submitter. Criteria: Invitae Variant Classification Sherloc (09022015). Collection method: clinical testing. Allele origin: germline.
Comment: This sequence change falls in intron 20 of the SPTBN2 gene. It does not directly change the encoded amino acid sequence of the SPTBN2 protein. It affects a nucleotide within the consensus splice site. This variant is not present in population databases (gnomAD no frequency). This variant has not been reported in the literature in individuals affected with SPTBN2-related conditions. ClinVar contains an entry for this variant (Variation ID: 1397059). Variants that disrupt the consensus splice site are a relatively common cause of aberrant splicing (PMID: 17576681, 9536098). Algorithms developed to predict the effect of sequence changes on RNA splicing suggest that this variant is not likely to affect RNA splicing. In summary, the available evidence is currently insufficient to determine the role of this variant in disease. Therefore, it has been classified as a Variant of Uncertain Significance.

Literature cited by the submitters: PubMed 17576681; PubMed 9536098.

NM_006946.4(SPTBN2):c.4278+5G>C

Gene: SPTBN2 (spectrin beta, non-erythrocytic 2; minus strand). Cytogenetic location: 11q13.2.
Variant type: single nucleotide variant.
Coding change: c.4278+5G>C on transcript NM_006946.4 (MANE Select); 5 bases into the intron after coding-DNA position 4278, G replaced by C.
Molecular consequence: intron variant.
Genome position (GRCh38, 1-based): chr11:66,696,272, C>G on the plus strand (G>C on the coding strand, the complement: SPTBN2 is on the minus strand). VCF-style: chr11-66696272-C-G. GRCh37 (hg19) VCF-style: chr11-66463743-C-G.
Identifiers: ClinVar variation 1397059 (VCV001397059.6), dbSNP rs2135382326, ClinGen allele CA2573147584.